The following is an entry in ClinVar:

NM_004817.4(TJP2):c.699GGACCG[3] (p.234DR[4])

Gene: TJP2 (tight junction protein 2; plus strand). Cytogenetic location: 9q21.11.
Variant type: Microsatellite.
Coding change: c.699GGACCG[3] on transcript NM_004817.4 (MANE Select); three copies in a row of the 6-base unit GGACCG starting at c.699; the reference has two copies in a row; one copy, 6 bases duplicated; also written c.705_710dup.
Protein change: p.234DR[4].
Molecular consequence: inframe insertion.
Genome position (GRCh38, 1-based): chr9:69,221,249-69,221,254, GGACCG duplicated; duplicating any 6 consecutive bases within chr9:69,221,240-69,221,254 gives the same sequence; the position shown is the placement nearest the transcript's 3' end. VCF-style (leftmost placement, unchanged base first): chr9-69221239-C-CCCGGGA. GRCh37 (hg19) VCF-style: chr9-71836155-C-CCCGGGA.
Other names: c.630GGACCG[3], p.211DR[4] (NM_001170414.2, NM_001369870.1, NM_001369871.1); c.711GGACCG[3], p.238DR[4] (NM_001170415.1, NM_001369874.1, NM_001369875.1); c.792GGACCG[3], p.265DR[4] (NM_001170416.2); c.699GGACCG[3], p.234DR[4] (NM_001369872.1, NM_001369873.1, NM_201629.3); c.705_710dup (NM_004817.3).
Identifiers: ClinVar variation 597983 (VCV000597983.6), dbSNP rs778482810, ClinGen allele CA5073072.

ClinVar aggregate classification (germline): Uncertain significance. Review status: criteria provided, multiple submitters, no conflicts (2 of 4 stars). 2 submissions from 2 submitters: Uncertain significance (2). Last evaluated 2024-12-11.

Submissions (2):

GeneDx
Classification: Uncertain significance. Last evaluated: 2024-12-11. Review status: criteria provided, single submitter. Criteria: GeneDx Variant Classification Process June 2021. Collection method: clinical testing. Allele origin: germline. Affected: yes.
Comment: In-frame duplication of 2 amino acids in a repetitive region with no known function; Has not been previously published as pathogenic or benign to our knowledge

Eurofins Ntd Llc (ga)
Classification: Uncertain significance. Last evaluated: 2018-07-10. Review status: criteria provided, single submitter. Criteria: EGL ClinVar v180209 classification definitions. Collection method: clinical testing. Allele origin: germline. Observed: 1 variant allele, 1 heterozygote.